The following is an entry in ClinVar:

NM_000342.4(SLC4A1):c.2482-11T>G

Gene: SLC4A1 (solute carrier family 4 member 1 (Diego blood group); minus strand). Cytogenetic location: 17q21.31.
Variant type: single nucleotide variant.
Coding change: c.2482-11T>G on transcript NM_000342.4 (MANE Select); 11 bases into the intron before coding-DNA position 2482, T replaced by G.
Molecular consequence: intron variant.
Genome position (GRCh38, 1-based): chr17:44,251,343, A>C on the plus strand (T>G on the coding strand, the complement: SLC4A1 is on the minus strand). VCF-style: chr17-44251343-A-C. GRCh37 (hg19) VCF-style: chr17-42328711-A-C.
Identifiers: ClinVar variation 2764624 (VCV002764624.3), dbSNP rs2509958547, ClinGen allele CA2697559946.
Genomic context (GRCh38, chr17:44,251,343, plus strand): 5'-AGGCAGATGATCTGGATGCCCGTGAATAAGTGCATGCGCCAGGTCTTCACCTGCAGGCGG[A>C]GGCTGGGGTCAGTGCCTATCACACCCCAGCACCCTCTACCACCCCAGGCTGGGCAGCCAG-3'

ClinVar aggregate classification (germline): Uncertain significance (1 of 4 stars; one submission).

Submission:

Labcorp Genetics (formerly Invitae), Labcorp
Classification: Uncertain significance. Last evaluated: 2023-09-30. Review status: criteria provided, single submitter. Criteria: Invitae Variant Classification Sherloc (09022015). Collection method: clinical testing. Allele origin: germline.
Comment: In summary, the available evidence is currently insufficient to determine the role of this variant in disease. Therefore, it has been classified as a Variant of Uncertain Significance. Algorithms developed to predict the effect of sequence changes on RNA splicing suggest that this variant may create or strengthen a splice site. This variant has not been reported in the literature in individuals affected with SLC4A1-related conditions. This variant is not present in population databases (gnomAD no frequency). This sequence change falls in intron 18 of the SLC4A1 gene. It does not directly change the encoded amino acid sequence of the SLC4A1 protein.